The following is an entry in ClinVar:

NM_000338.3(SLC12A1):c.2755G>C (p.Asp919His)

Gene: SLC12A1 (solute carrier family 12 member 1; plus strand). Cytogenetic location: 15q21.1.
Variant type: single nucleotide variant.
Coding change: c.2755G>C on transcript NM_000338.3 (MANE Select); coding-DNA position 2755, G replaced by C.
Protein change: p.Asp919His; replaces aspartic acid 919 with histidine.
Molecular consequence: missense variant.
Genome position (GRCh38, 1-based): chr15:48,288,168, G>C. VCF-style: chr15-48288168-G-C. GRCh37 (hg19) VCF-style: chr15-48580365-G-C.
Other names: c.2755G>C, p.Asp919His (NM_001184832.2, NM_001384136.1); short protein forms D919H.
Identifiers: ClinVar variation 1407974 (VCV001407974.10), dbSNP rs772842522, ClinGen allele CA7547504.

ClinVar aggregate classification (germline): Conflicting classifications of pathogenicity. Review status: criteria provided, conflicting classifications (1 of 4 stars). 4 submissions from 4 submitters: Likely pathogenic (1); Uncertain significance (3). Last evaluated 2024-11-23.

Conditions:
SLC12A1-related disorder. Also called: SLC12A1-related condition.
Bartter disease type 1. Also called: HYPOKALEMIC ALKALOSIS WITH HYPERCALCIURIA 1, ANTENATAL; Bartter syndrome, type 1, antenatal; HYPERPROSTAGLANDIN E SYNDROME 1; Bartter Syndrome type 1. Identifiers: Orphanet 112, Orphanet 620217, MedGen C1866495, MONDO:0100344, OMIM 601678, MONDO:0011127.

Allele frequency attached by ClinVar (database versions not stated): gnomAD exomes below 0.00001; ExAC 0.00001; gnomAD 0.00001; TOPMed 0.00001.
gnomAD v4.1: 2 of 1,608,466 alleles (0.00012%); highest among the groups gnomAD compares: African/African-American, 0.0013%; no homozygotes.

Submissions (4):

Blueprint Genetics
Classification: Likely pathogenic for SLC12A1-related disorders. Last evaluated: 2024-11-23. Review status: criteria provided, single submitter. Criteria: ACMG Guidelines, 2015. Collection method: clinical testing. Allele origin: germline. Affected: yes. Observed: 5 variant alleles.

Fulgent Genetics
Classification: Uncertain significance for Bartter disease type 1. Last evaluated: 2024-04-06. Review status: criteria provided, single submitter. Criteria: ACMG Guidelines, 2015. Collection method: clinical testing. Allele origin: germline.

Labcorp Genetics (formerly Invitae), Labcorp
Classification: Uncertain significance. Last evaluated: 2024-01-08. Review status: criteria provided, single submitter. Criteria: Invitae Variant Classification Sherloc (09022015). Collection method: clinical testing. Allele origin: germline.
Comment: This sequence change replaces aspartic acid, which is acidic and polar, with histidine, which is basic and polar, at codon 919 of the SLC12A1 protein (p.Asp919His). This variant is present in population databases (rs772842522, gnomAD 0.0009%). This missense change has been observed in individual(s) with Bartter syndrome (PMID: 26787776; Invitae). In at least one individual the data is consistent with being in trans (on the opposite chromosome) from a pathogenic variant. ClinVar contains an entry for this variant (Variation ID: 1407974). Advanced modeling of protein sequence and biophysical properties (such as structural, functional, and spatial information, amino acid conservation, physicochemical variation, residue mobility, and thermodynamic stability) performed at Invitae indicates that this missense variant is expected to disrupt SLC12A1 protein function with a positive predictive value of 80%. In summary, the available evidence is currently insufficient to determine the role of this variant in disease. Therefore, it has been classified as a Variant of Uncertain Significance.

Women's Health and Genetics/Laboratory Corporation of America, LabCorp
Classification: Uncertain significance. Last evaluated: 2022-06-24. Review status: criteria provided, single submitter. Criteria: LabCorp Variant Classification Summary - May 2015. Collection method: clinical testing. Allele origin: germline.
Comment: Variant summary: SLC12A1 c.2755G>C (p.Asp919His) results in a non-conservative amino acid change in the encoded protein sequence. Five of five in-silico tools predict a damaging effect of the variant on protein function. The variant allele was found at a frequency of 4.1e-06 in 241152 control chromosomes. c.2755G>C has been reported in the literature in one individual affected with Bartter Syndrome, Type 1 in homozygous state. These data indicate that the variant may be associated with disease. To our knowledge, no experimental evidence demonstrating an impact on protein function has been reported. One clinical diagnostic laboratory has submitted clinical-significance assessments for this variant to ClinVar after 2014 without evidence for independent evaluation and classified the variant as uncertain significance. Based on the evidence outlined above, the variant was classified as VUS-possibly pathogenic.

Literature cited by the submitters: PubMed 26787776 (cited by Labcorp Genetics (formerly Invitae), Labcorp and Women's Health and Genetics/Laboratory Corporation of America, LabCorp).